The following is an entry in ClinVar:

ClinVar aggregate classification (germline): Conflicting classifications of pathogenicity. Review status: criteria provided, conflicting classifications (1 of 4 stars). 11 submissions from 11 submitters: Uncertain significance (8); Likely benign (2). 1 of the submissions does not count toward it. Last evaluated 2026-06-11.

Conditions:
Breast and/or ovarian cancer. Identifiers: MedGen CN221562.
Hereditary cancer-predisposing syndrome. Also called: Hereditary Cancer Syndrome; Tumor predisposition; Neoplastic Syndromes, Hereditary; Hereditary neoplastic syndrome. Identifiers: Orphanet 140162, MedGen C0027672, MeSH D009386, MONDO:0015356.
Hereditary breast ovarian cancer syndrome. Also called: Hereditary breast and ovarian cancer syndrome; Breast and ovarian cancer; Hereditary breast and ovarian cancer; BRCA1- and BRCA2-Associated Hereditary Breast and Ovarian Cancer; Hereditary breast and ovarian cancer syndrome (HBOC); Hereditary breast and/or ovarian cancer syndrome. Identifiers: Orphanet 145, MedGen C0677776, MeSH D061325, MONDO:0003582. Disease mechanism: loss of function.
Breast-ovarian cancer, familial, susceptibility to, 2 (BROVCA2). Also called: BRCA2 Hereditary Breast and Ovarian Cancer. Identifiers: Orphanet 145, MedGen C2675520, MONDO:0012933, OMIM 612555. Disease mechanism: loss of function.

Allele frequency attached by ClinVar (database versions not stated): TOPMed 0.00001; ExAC 0.00001; gnomAD exomes below 0.00001.
gnomAD v4.1: 2 of 1,612,830 alleles (0.00012%); highest among the groups gnomAD compares: African/African-American, 0.0013%; no homozygotes.

Submissions (11):

Myriad Genetics, Inc.
Classification: Likely benign for Breast-ovarian cancer, familial, susceptibility to, 2. Last evaluated: 2026-06-11. Review status: criteria provided, single submitter. Criteria: Myriad Autosomal Dominant, Autosomal Recessive and X-Linked Classification Criteria (2023). Collection method: clinical testing. Allele origin: unknown.
Comment: This variant is considered likely benign. This variant is strongly associated with less severe personal and family histories of cancer, typical for individuals without pathogenic variants in this gene [PMID: 25085752].

Labcorp Genetics (formerly Invitae), Labcorp
Classification: Uncertain significance for Hereditary breast ovarian cancer syndrome. Last evaluated: 2025-07-21. Review status: criteria provided, single submitter. Criteria: Invitae Variant Classification Sherloc (09022015). Collection method: clinical testing. Allele origin: germline.
Comment: This sequence change replaces lysine, which is basic and polar, with glutamic acid, which is acidic and polar, at codon 586 of the BRCA2 protein (p.Lys586Glu). This variant is present in population databases (rs397507275, gnomAD 0.007%). This variant has not been reported in the literature in individuals affected with BRCA2-related conditions. ClinVar contains an entry for this variant (Variation ID: 37755). Invitae Evidence Modeling of protein sequence and biophysical properties (such as structural, functional, and spatial information, amino acid conservation, physicochemical variation, residue mobility, and thermodynamic stability) indicates that this missense variant is not expected to disrupt BRCA2 protein function with a negative predictive value of 95%. In summary, the available evidence is currently insufficient to determine the role of this variant in disease. Therefore, it has been classified as a Variant of Uncertain Significance.

Ambry Genetics
Classification: Uncertain significance for Hereditary cancer-predisposing syndrome. Last evaluated: 2024-09-01. Review status: criteria provided, single submitter. Criteria: Ambry Variant Classification Scheme 2023. Collection method: clinical testing. Allele origin: germline.
Comment: The p.K586E variant (also known as c.1756A>G), located in coding exon 9 of the BRCA2 gene, results from an A to G substitution at nucleotide position 1756. The lysine at codon 586 is replaced by glutamic acid, an amino acid with similar properties. This amino acid position is well conserved in available vertebrate species. In addition, this alteration is predicted to be tolerated by in silico analysis. Since supporting evidence is limited at this time, the clinical significance of this alteration remains unclear.

All of Us Research Program, National Institutes of Health
Classification: Uncertain significance for Breast-ovarian cancer, familial, susceptibility to, 2. Last evaluated: 2023-07-19. Review status: criteria provided, single submitter. Criteria: ACMG Guidelines, 2015. Collection method: clinical testing. Allele origin: germline. Inheritance: Autosomal dominant inheritance. Observed: 1 variant allele, 1 heterozygote.
Comment: This missense variant replaces lysine with glutamic acid at codon 586 of the BRCA2 protein. Computational prediction suggests that this variant may not impact protein structure and function (internally defined REVEL score threshold <= 0.5, PMID: 27666373). To our knowledge, functional studies have not been reported for this variant. This variant has not been reported in individuals affected with BRCA2-related disorders in the literature. This variant has been identified in 1/249898 chromosomes in the general population by the Genome Aggregation Database (gnomAD). The available evidence is insufficient to determine the role of this variant in disease conclusively. Therefore, this variant is classified as a Variant of Uncertain Significance.

This study involves interpretation of variants in research participants for the purpose of population health screening. Participant phenotype was not available at the time of variant classification. Additional details can be found in publication PMID: 35346344, PMCID: PMC8962531

Women's Health and Genetics/Laboratory Corporation of America, LabCorp
Classification: Uncertain significance. Last evaluated: 2023-07-17. Review status: criteria provided, single submitter. Criteria: LabCorp Variant Classification Summary - May 2015. Collection method: clinical testing. Allele origin: germline.

Color Diagnostics, LLC DBA Color Health
Classification: Uncertain significance for Hereditary cancer-predisposing syndrome. Last evaluated: 2023-05-17. Review status: criteria provided, single submitter. Criteria: ACMG Guidelines, 2015. Collection method: clinical testing. Allele origin: germline.
Comment: This missense variant replaces lysine with glutamic acid at codon 586 of the BRCA2 protein. Computational prediction suggests that this variant may not impact protein structure and function (internally defined REVEL score threshold <= 0.5, PMID: 27666373). To our knowledge, functional studies have not been reported for this variant. This variant has not been reported in individuals affected with BRCA2-related disorders in the literature. This variant has been identified in 1/249898 chromosomes in the general population by the Genome Aggregation Database (gnomAD). The available evidence is insufficient to determine the role of this variant in disease conclusively. Therefore, this variant is classified as a Variant of Uncertain Significance.

University of Washington Department of Laboratory Medicine, University of Washington
Classification: Likely benign for Hereditary cancer-predisposing syndrome. Last evaluated: 2023-03-23. Review status: criteria provided, single submitter. Criteria: Dines et al. (Genet Med. 2020). Collection method: curation. Allele origin: germline.
Comment: Missense variant in a coldspot region where missense variants are very unlikely to be pathogenic (PMID:31911673).

BRCA2 exon 10 coldspot. Reclassification based on statistical prior probability.

CHEO Genetics Diagnostic Laboratory, Children's Hospital of Eastern Ontario
Classification: Uncertain significance for Breast and/or ovarian cancer. Last evaluated: 2022-01-12. Review status: criteria provided, single submitter. Criteria: ACMG Guidelines, 2015. Collection method: clinical testing. Allele origin: germline.

Quest Diagnostics Nichols Institute San Juan Capistrano
Classification: Uncertain significance. Last evaluated: 2021-01-29. Review status: criteria provided, single submitter. Criteria: Quest Diagnostics criteria. Collection method: clinical testing. Allele origin: unknown.

GeneDx
Classification: Uncertain significance. Last evaluated: 2020-11-30. Review status: criteria provided, single submitter. Criteria: GeneDx Variant Classification Process June 2021. Collection method: clinical testing. Allele origin: germline. Affected: yes.
Comment: Not observed at a significant frequency in large population cohorts (Lek et al., 2016); In silico analysis supports that this missense variant does not alter protein structure/function; Has not been previously published as pathogenic or benign to our knowledge

Sharing Clinical Reports Project (SCRP)
Classification: Uncertain significance for Breast-ovarian cancer, familial 2. Last evaluated: 2011-07-08. Review status: no assertion criteria provided. Collection method: clinical testing. Allele origin: germline. Not counted in ClinVar's aggregate classification.

Literature cited by the submitters: PubMed 25085752 (cited by Myriad Genetics, Inc.).

NM_000059.4(BRCA2):c.1756A>G (p.Lys586Glu)

Gene: BRCA2 (BRCA2 DNA repair associated; plus strand). Cytogenetic location: 13q13.1.
Variant type: single nucleotide variant.
Coding change: c.1756A>G on transcript NM_000059.4 (MANE Select); coding-DNA position 1756, A replaced by G.
Protein change: p.Lys586Glu; replaces lysine 586 with glutamic acid.
Molecular consequence: missense variant.
Genome position (GRCh38, 1-based): chr13:32,333,234, A>G. VCF-style: chr13-32333234-A-G. GRCh37 (hg19) VCF-style: chr13-32907371-A-G.
Other names: 1984A>G; short protein forms K586E.
Identifiers: ClinVar variation 37755 (VCV000037755.25), dbSNP rs397507275, ClinGen allele CA013100.